The following is an entry in ClinVar:

NM_000440.3(PDE6A):c.428A>C (p.His143Pro)

Gene: PDE6A (phosphodiesterase 6A; minus strand). Cytogenetic location: 5q32.
Variant type: single nucleotide variant.
Coding change: c.428A>C on transcript NM_000440.3 (MANE Select); coding-DNA position 428, A replaced by C.
Protein change: p.His143Pro; replaces histidine 143 with proline.
Molecular consequence: missense variant.
Genome position (GRCh38, 1-based): chr5:149,944,246, T>G on the plus strand (A>C on the coding strand, the complement: PDE6A is on the minus strand). VCF-style: chr5-149944246-T-G. GRCh37 (hg19) VCF-style: chr5-149323809-T-G.
Other names: c.428A>C, p.His143Pro (NM_001410788.1); short protein forms H143P.
Identifiers: ClinVar variation 2094889 (VCV002094889.1), dbSNP rs777499795, ClinGen allele CA361699995.
Genomic context (GRCh38, chr5:149,944,246, plus strand): 5'-GGGGAAGAGAGTACCTCCTCTGTGTTGGGGACGTTAGCAATCTTCTTAGAGTGTGCGACA[T>G]GGCCCACGATGCCCATGTCCAAAGGGAAGACGATCTCTTGGTCGGGCATCACCAGGCAGT-3'
Protein context (NP_000431.2, residues 133-153): VFPLDMGIVG[His143Pro]VAHSKKIANV

ClinVar aggregate classification (germline): Uncertain significance (1 of 4 stars; one submission).

gnomAD v4.1: 5 of 1,613,888 alleles (0.00031%); highest among the groups gnomAD compares: African/African-American, 0.004%; no homozygotes.

Submission:

Labcorp Genetics (formerly Invitae), Labcorp
Classification: Uncertain significance. Last evaluated: 2022-02-08. Review status: criteria provided, single submitter. Criteria: Invitae Variant Classification Sherloc (09022015). Collection method: clinical testing. Allele origin: germline.
Comment: This sequence change replaces histidine, which is basic and polar, with proline, which is neutral and non-polar, at codon 143 of the PDE6A protein (p.His143Pro). This variant is present in population databases (no rsID available, gnomAD 0.007%). This variant has not been reported in the literature in individuals affected with PDE6A-related conditions. Algorithms developed to predict the effect of missense changes on protein structure and function are either unavailable or do not agree on the potential impact of this missense change (SIFT: "Deleterious"; PolyPhen-2: "Possibly Damaging"; Align-GVGD: "Class C0"). In summary, the available evidence is currently insufficient to determine the role of this variant in disease. Therefore, it has been classified as a Variant of Uncertain Significance.